The following is an entry in ClinVar:

NM_003036.4(SKI):c.1724A>G (p.Glu575Gly)

Gene: SKI (SKI proto-oncogene; plus strand). Cytogenetic location: 1p36.32.
Variant type: single nucleotide variant.
Coding change: c.1724A>G on transcript NM_003036.4 (MANE Select); coding-DNA position 1724, A replaced by G.
Protein change: p.Glu575Gly; replaces glutamic acid 575 with glycine.
Molecular consequence: missense variant.
Genome position (GRCh38, 1-based): chr1:2,304,542, A>G. VCF-style: chr1-2304542-A-G. GRCh37 (hg19) VCF-style: chr1-2235981-A-G.
Other names: short protein forms E575G.
Identifiers: ClinVar variation 4531055 (VCV004531055.1).
Genomic context (GRCh38, chr1:2,304,542, plus strand): 5'-CCAAGGAAGCCAAAGAGAAGTTCCTGCATGAGGTGGTCAAGATGCGCGTGAAGCAGGAGG[A>G]GAAGCTCAGCGCAGCCCTGCAGGCCAAGCGCAGCCTCCACCAGGTGAGCGGGGCGAGTGG-3'
Protein context (NP_003027.1, residues 565-585): EVVKMRVKQE[Glu575Gly]KLSAALQAKR

ClinVar aggregate classification (germline): Uncertain significance (1 of 4 stars; one submission).

Submission:

GeneDx
Classification: Uncertain significance. Last evaluated: 2025-05-18. Review status: criteria provided, single submitter. Criteria: GeneDx Variant Classification Process June 2021. Collection method: clinical testing. Allele origin: germline. Affected: yes.
Comment: Not observed at significant frequency in large population cohorts (gnomAD); In silico analysis supports that this missense variant has a deleterious effect on protein structure/function; Has not been previously published as pathogenic or benign to our knowledge